The following is an entry in ClinVar:

ClinVar aggregate classification (germline): Uncertain significance (1 of 4 stars; one submission).

gnomAD v4.1: 26 of 1,611,072 alleles (0.0016%); highest among the groups gnomAD compares: East Asian, 0.0045%; no homozygotes.

Submission:

Ambry Genetics
Classification: Uncertain significance. Last evaluated: 2026-03-29. Review status: criteria provided, single submitter. Criteria: Ambry Variant Classification Scheme 2023. Collection method: clinical testing. Allele origin: germline.
Comment: The p.R621Q variant (also known as c.1862G>A), located in coding exon 10 of the PKP4 gene, results from a G to A substitution at nucleotide position 1862. The arginine at codon 621 is replaced by glutamine, an amino acid with highly similar properties. This amino acid position is conserved. In addition, this alteration is predicted to be tolerated by in silico analysis. Based on the available evidence, the clinical significance of this variant remains unclear.

NM_003628.6(PKP4):c.1862G>A (p.Arg621Gln)

Gene: PKP4 (plakophilin 4; plus strand). Cytogenetic location: 2q24.1.
Variant type: single nucleotide variant.
Coding change: c.1862G>A on transcript NM_003628.6 (MANE Select); coding-DNA position 1862, G replaced by A.
Protein change: p.Arg621Gln; replaces arginine 621 with glutamine.
Molecular consequence: missense variant.
Genome position (GRCh38, 1-based): chr2:158,642,652, G>A. VCF-style: chr2-158642652-G-A. GRCh37 (hg19) VCF-style: chr2-159499164-G-A.
Other names: c.1862G>A, p.Arg621Gln (NM_001005476.4, NM_001304971.2, NM_001377218.1 and 1 more transcripts); c.1859G>A, p.Arg620Gln (NM_001304969.3, NM_001377219.1, NM_001377220.1 and 2 more transcripts); c.833G>A, p.Arg278Gln (NM_001304970.3); c.1856G>A, p.Arg619Gln (NM_001377222.1, NM_001377223.1); c.1853G>A, p.Arg618Gln (NM_001377224.1); short protein forms R278Q, R618Q, R619Q, R620Q, R621Q.
Identifiers: ClinVar variation 4862005 (VCV004862005.1).
Genomic context (GRCh38, chr2:158,642,652, plus strand): 5'-AGTCTACAGATGAAAATAAAATAGCAATGAAGAATGTTGGTGGGATACCTGCCTTGTTGC[G>A]ACTGTTGAGAAAATCTATTGATGCAGAAGTAAGGGAGCTTGTTACAGGTAGGTATAGAAT-3'
Protein context (NP_003619.2, residues 611-631): KNVGGIPALL[Arg621Gln]LLRKSIDAEV